The following is an entry in ClinVar:

NM_004933.3(CDH15):c.131G>A (p.Arg44Gln)

Gene: CDH15 (cadherin 15; plus strand). Cytogenetic location: 16q24.3.
Variant type: single nucleotide variant.
Coding change: c.131G>A on transcript NM_004933.3 (MANE Select); coding-DNA position 131, G replaced by A.
Protein change: p.Arg44Gln; replaces arginine 44 with glutamine.
Molecular consequence: missense variant.
Genome position (GRCh38, 1-based): chr16:89,179,504, G>A. VCF-style: chr16-89179504-G-A. GRCh37 (hg19) VCF-style: chr16-89245912-G-A.
Other names: c.131G>A (NM_004933.2); short protein forms R44Q.
Identifiers: ClinVar variation 1299870 (VCV001299870.21), dbSNP rs199879102, ClinGen allele CA8238694.

ClinVar aggregate classification (germline): Conflicting classifications of pathogenicity. Review status: criteria provided, conflicting classifications (1 of 4 stars). 4 submissions from 4 submitters: Uncertain significance (1); Benign (1). 2 of the submissions do not count toward it. Last evaluated 2025-01-07.

Allele frequency attached by ClinVar (database versions not stated): ESP Exome Variant Server 0.00008; gnomAD 0.00011 and 0.00021; ExAC 0.00020; TOPMed 0.00020; gnomAD exomes 0.00028; 1000 Genomes Project 30x 0.00078; 1000 Genomes Project 0.00080.
gnomAD v4.1: 263 of 1,613,228 alleles (0.016%); highest among the groups gnomAD compares: East Asian, 0.12%; 1 homozygote.

Submissions (4):

Ambry Genetics
Classification: Uncertain significance. Last evaluated: 2025-01-07. Review status: criteria provided, single submitter. Criteria: Ambry Variant Classification Scheme 2023. Collection method: clinical testing. Allele origin: germline.

CeGaT Center for Human Genetics Tuebingen
Classification: Benign. Last evaluated: 2024-05-01. Review status: criteria provided, single submitter. Criteria: CeGaT Center For Human Genetics Tuebingen Variant Classification Criteria Version 2. Collection method: clinical testing. Allele origin: germline. Affected: yes. Observed: 1 variant allele.
Comment: CDH15: BS1, BS2

Clinical Genetics DNA and cytogenetics Diagnostics Lab, Erasmus MC, Erasmus Medical Center
Classification: Uncertain significance. Review status: no assertion criteria provided. Collection method: clinical testing. Allele origin: germline. Affected: yes. Study: VKGL Data-share Consensus. Not counted in ClinVar's aggregate classification.

Diagnostic Laboratory, Department of Genetics, University Medical Center Groningen
Classification: Uncertain significance. Review status: no assertion criteria provided. Collection method: clinical testing. Allele origin: germline. Affected: yes. Study: VKGL Data-share Consensus. Not counted in ClinVar's aggregate classification.